The following is an entry in ClinVar:

NM_024426.6(WT1):c.24C>T (p.Asp8=)

Genes: WT1 (WT1 transcription factor; minus strand), LOC107982234 (WT1/WT1-AS bi-directional promoter region; plus strand). Cytogenetic location: 11p13.
Variant type: single nucleotide variant.
Coding change: c.24C>T on transcript NM_024426.6 (MANE Select); coding-DNA position 24, C replaced by T.
Protein change: p.Asp8=; no amino-acid change (aspartic acid 8 retained).
Molecular consequence: synonymous variant. On other transcripts: non-coding transcript variant (2).
Genome position (GRCh38, 1-based): chr11:32,435,337, G>A on the plus strand (C>T on the coding strand, the complement: WT1 is on the minus strand). VCF-style: chr11-32435337-G-A. GRCh37 (hg19) VCF-style: chr11-32456883-G-A.
Other names: c.24C>T, p.Asp8= (NM_000378.6, NM_001407044.1, NM_001407045.1 and 6 more transcripts); c.9C>T, p.Asp3= (NM_024425.2); c.9C>T (NM_024426.4).
Identifiers: ClinVar variation 2026335 (VCV002026335.8), dbSNP rs1393437791, ClinGen allele CA473773499.

ClinVar aggregate classification (germline): Likely benign. Review status: criteria provided, multiple submitters, no conflicts (2 of 4 stars). 4 submissions from 4 submitters: Likely benign (3). 1 of the submissions does not count toward it. Last evaluated 2026-03-24.

Conditions:
WT1-related disorder. Also called: WT1-related disorders. Identifiers: MedGen CN377814.
Inborn genetic diseases. Identifiers: MedGen C0950123, MeSH D030342.
Wilms tumor 1 (WT1). Also called: Wilms tumor, somatic. Identifiers: Orphanet 654, MedGen CN033288, MONDO:0008679, OMIM 194070.
11p partial monosomy syndrome (WAGR). Also called: WAGR syndrome; WAGR Complex; CHROMOSOME 11p13 DELETION SYNDROME; WAGR Spectrum Disorder. Identifiers: Orphanet 893, MedGen C0206115, MONDO:0008681, OMIM 194072.
Frasier syndrome. Identifiers: Orphanet 347, MedGen C0950122, MeSH D052159, MONDO:0007635, OMIM 136680.
Drash syndrome (DDS). Also called: WILMS TUMOR AND PSEUDO- OR TRUE HERMAPHRODITISM; NEPHROPATHY, WILMS TUMOR, AND GENITAL ANOMALIES. Identifiers: Orphanet 220, MedGen C0950121, MONDO:0008682, OMIM 194080.

Allele frequency attached by ClinVar (database versions not stated): TOPMed 0.00001.

Submissions (4):

Ambry Genetics
Classification: Likely benign for Inborn genetic diseases. Last evaluated: 2026-03-24. Review status: criteria provided, single submitter. Criteria: Ambry Variant Classification Scheme 2023. Collection method: clinical testing. Allele origin: germline.

All of Us Research Program, National Institutes of Health
Classification: Likely benign for Wilms tumor 1. Last evaluated: 2023-02-24. Review status: criteria provided, single submitter. Criteria: ACMG Guidelines, 2015. Collection method: clinical testing. Allele origin: germline. Inheritance: Autosomal dominant inheritance. Observed: 1 variant allele, 1 heterozygote.
Comment: This study involves interpretation of variants in research participants for the purpose of population health screening. Participant phenotype was not available at the time of variant classification. Additional details can be found in publication PMID: 35346344, PMCID: PMC8962531

Labcorp Genetics (formerly Invitae), Labcorp
Classification: Likely benign for Wilms tumor 1; Drash syndrome; 11p partial monosomy syndrome; Frasier syndrome. Last evaluated: 2022-08-25. Review status: criteria provided, single submitter. Criteria: Invitae Variant Classification Sherloc (09022015). Collection method: clinical testing. Allele origin: germline.

PreventionGenetics, part of Exact Sciences
Classification: Likely benign for WT1-related condition. Last evaluated: 2022-11-04. Review status: no assertion criteria provided. Collection method: clinical testing. Allele origin: germline. Not counted in ClinVar's aggregate classification.
Comment: This variant is classified as likely benign based on ACMG/AMP sequence variant interpretation guidelines (Richards et al. 2015 PMID: 25741868, with internal and published modifications).